The following is an entry in ClinVar:

ClinVar aggregate classification (germline): Benign. Review status: criteria provided, multiple submitters, no conflicts (2 of 4 stars). 3 submissions from 3 submitters: Benign (3). Last evaluated 2024-06-12.

Conditions:
Diamond-Blackfan anemia. Also called: Blackfan Diamond syndrome; Aregenerative anemia chronic congenital; Red cell aplasia, pure hereditary; Congenital hypoplastic anemia; Aase syndrome. Identifiers: Orphanet 124, MedGen C1260899, MeSH D029503, MONDO:0015253, HP:0004810.
Diamond-Blackfan anemia 1 (DBA1). Also called: RPS19-Related Diamond-Blackfan Anemia; BLACKFAN-DIAMOND SYNDROME; ANEMIA, CONGENITAL HYPOPLASTIC, OF BLACKFAN AND DIAMOND; ANEMIA, CONGENITAL ERYTHROID HYPOPLASTIC; RED CELL APLASIA, PURE, HEREDITARY; AREGENERATIVE ANEMIA, CHRONIC CONGENITAL. Identifiers: Orphanet 124, MedGen C2676137, MONDO:0007110, OMIM 105650.

Submissions (3):

ARUP Laboratories, Molecular Genetics and Genomics, ARUP Laboratories
Classification: Benign for Diamond-Blackfan anemia 1. Last evaluated: 2024-06-12. Review status: criteria provided, single submitter. Criteria: ARUP Molecular Germline Variant Investigation Process 2024. Collection method: clinical testing. Allele origin: germline.

Labcorp Genetics (formerly Invitae), Labcorp
Classification: Benign for Diamond-Blackfan anemia. Last evaluated: 2023-03-16. Review status: criteria provided, single submitter. Criteria: Invitae Variant Classification Sherloc (09022015). Collection method: clinical testing. Allele origin: germline.

GeneDx
Classification: Benign. Last evaluated: 2015-03-03. Review status: criteria provided, single submitter. Criteria: GeneDx Variant Classification Process June 2021. Collection method: clinical testing. Allele origin: germline. Affected: yes.
Comment: This variant is associated with the following publications: (PMID: 21412415)

NC_000019.10:g.41860144_41860145insGCCA

Gene: RPS19 (ribosomal protein S19; plus strand). Cytogenetic location: 19q13.2.
Variant type: Insertion.
Genome position: GRCh38 VCF-style: chr19-41860143-A-AAGCC. GRCh37 (hg19) VCF-style: chr19-42364213-A-AAGCC.
Identifiers: ClinVar variation 329384 (VCV000329384.12), dbSNP rs34020014, ClinGen allele CA10642887.